The following is an entry in ClinVar:

NC_000002.11:g.(?_69627476)_(69627690_?)dup

Gene: NFU1 (NFU1 iron-sulfur cluster scaffold; minus strand). Cytogenetic location: 2p13.3.
Variant type: Duplication.
Identifiers: ClinVar variation 647954 (VCV000647954.3).

ClinVar aggregate classification (germline): Likely pathogenic (1 of 4 stars; one submission).

Conditions:
Multiple mitochondrial dysfunctions syndrome 1 (MMDS1). Identifiers: Orphanet 401869, MedGen C3276432, MONDO:0011582, OMIM 605711.

Submission:

Labcorp Genetics (formerly Invitae), Labcorp
Classification: Likely pathogenic for Multiple mitochondrial dysfunctions syndrome 1. Last evaluated: 2018-08-12. Review status: criteria provided, single submitter. Criteria: Invitae Variant Classification Sherloc (09022015). Collection method: clinical testing. Allele origin: germline.
Comment: This variant results in a copy number gain of the genomic region encompassing exon 7¬†of the NFU1 gene. While the exact position of this variant cannot be determined from this data, sub-genic copy number gains are generally in tandem (PMID: 25640679) and may result in an absent or disrupted protein product. This variant has not been reported in the literature in individuals with NFU1-related disease. Loss-of-function variants in NFU1 are known to be pathogenic (PMID: 21944046, 22077971). In summary, the currently available evidence indicates that the variant is pathogenic, but additional data are needed to prove that conclusively. Therefore, this variant has been classified as Likely Pathogenic.

Literature cited by the submitters: PubMed 25640679; PubMed 21944046; PubMed 22077971.